The following is an entry in ClinVar:

NM_003922.4(HERC1):c.9010C>A (p.Arg3004Ser)

Gene: HERC1 (HECT and RLD domain containing E3 ubiquitin protein ligase family member 1; minus strand). Cytogenetic location: 15q22.31.
Variant type: single nucleotide variant.
Coding change: c.9010C>A on transcript NM_003922.4 (MANE Select); coding-DNA position 9010, C replaced by A.
Protein change: p.Arg3004Ser; replaces arginine 3004 with serine.
Molecular consequence: missense variant.
Genome position (GRCh38, 1-based): chr15:63,661,913, G>T on the plus strand (C>A on the coding strand, the complement: HERC1 is on the minus strand). VCF-style: chr15-63661913-G-T. GRCh37 (hg19) VCF-style: chr15-63954112-G-T.
Other names: short protein forms R3004S.
Identifiers: ClinVar variation 450006 (VCV000450006.3), dbSNP rs747391229, ClinGen allele CA392761835.

ClinVar aggregate classification (germline): Uncertain significance (1 of 4 stars; one submission).

gnomAD v4.1: 2 of 1,613,890 alleles (0.00012%); highest among the groups gnomAD compares: Admixed American, 0.0033%; no homozygotes.

Submission:

GeneDx
Classification: Uncertain significance. Last evaluated: 2019-06-03. Review status: criteria provided, single submitter. Criteria: GeneDx Variant Classification Process June 2021. Collection method: clinical testing. Allele origin: germline. Affected: yes.
Comment: Not observed at a significant frequency in large population cohorts (Lek et al., 2016); In silico analysis, which includes protein predictors and evolutionary conservation, supports that this variant does not alter protein structure/function; Has not been previously published as pathogenic or benign to our knowledge